The following is an entry in ClinVar:

NM_000398.7(CYB5R3):c.229C>T (p.Gln77Ter)

Gene: CYB5R3 (cytochrome b5 reductase 3; minus strand). Cytogenetic location: 22q13.2.
Variant type: single nucleotide variant.
Coding change: c.229C>T on transcript NM_000398.7 (MANE Select); coding-DNA position 229, C replaced by T.
Protein change: p.Gln77Ter; replaces glutamine 77 with a stop codon.
Molecular consequence: nonsense.
Genome position (GRCh38, 1-based): chr22:42,630,986, G>A on the plus strand (C>T on the coding strand, the complement: CYB5R3 is on the minus strand). VCF-style: chr22-42630986-G-A. GRCh37 (hg19) VCF-style: chr22-43026992-G-A.
Other names: c.160C>T, p.Gln54Ter (NM_001129819.2, NM_001171661.1, NM_007326.4); c.328C>T, p.Gln110Ter (NM_001171660.2); c.229C>T (NM_000398.6); short protein forms Q77*, Q110*, Q54*.
Identifiers: ClinVar variation 247 (VCV000000247.2), dbSNP rs121965014, ClinGen allele CA114084.

ClinVar aggregate classification (germline): Pathogenic. Review status: criteria provided, single submitter (1 of 4 stars). 2 submissions from 2 submitters: Pathogenic (1). 1 of the submissions does not count toward it. Last evaluated 2023-09-13.

Conditions:
METHEMOGLOBINEMIA, TYPE II. Identifiers: MedGen C2749560, OMIM 250800.

Allele frequency attached by ClinVar (database versions not stated): gnomAD exomes below 0.00001.

Submissions (2):

GeneDx
Classification: Pathogenic. Last evaluated: 2023-09-13. Review status: criteria provided, single submitter. Criteria: GeneDx Variant Classification Process June 2021. Collection method: clinical testing. Allele origin: germline. Affected: yes.
Comment: Nonsense variant predicted to result in protein truncation or nonsense mediated decay in a gene for which loss of function is a known mechanism of disease; Not observed at significant frequency in large population cohorts (gnomAD); This variant is associated with the following publications: (PMID: 29375859, 18318771, 31898843, 18202104, 10874300)

OMIM
Classification: Pathogenic for METHEMOGLOBINEMIA, TYPE II. Last evaluated: 2000-01-01. Review status: no assertion criteria provided. Collection method: literature only. Allele origin: germline. Not counted in ClinVar's aggregate classification.

Literature cited by the submitters: PubMed 10874300 (cited by OMIM).